The following is an entry in ClinVar:

NM_025114.4(CEP290):c.2317A>T (p.Ser773Cys)

Gene: CEP290 (centrosomal protein 290; minus strand). Cytogenetic location: 12q21.32.
Variant type: single nucleotide variant.
Coding change: c.2317A>T on transcript NM_025114.4 (MANE Select); coding-DNA position 2317, A replaced by T.
Protein change: p.Ser773Cys; replaces serine 773 with cysteine.
Molecular consequence: missense variant.
Genome position (GRCh38, 1-based): chr12:88,111,252, T>A on the plus strand (A>T on the coding strand, the complement: CEP290 is on the minus strand). VCF-style: chr12-88111252-T-A. GRCh37 (hg19) VCF-style: chr12-88505029-T-A.
Other names: c.2317A>T (NM_025114.3); short protein forms S773C.
Identifiers: ClinVar variation 1037784 (VCV001037784.14), dbSNP rs748976722, ClinGen allele CA385974538.

ClinVar aggregate classification (germline): Uncertain significance. Review status: criteria provided, multiple submitters, no conflicts (2 of 4 stars). 6 submissions from 6 submitters: Uncertain significance (4). 2 of the submissions do not count toward it. Last evaluated 2023-03-02.

Conditions:
CEP290-related disorder. Also called: CEP290-related disorders; CEP290-related condition. Identifiers: MedGen CN239314.
Inborn genetic diseases. Identifiers: MedGen C0950123, MeSH D030342.
Joubert syndrome. Also called: Familial aplasia of the vermis; JOUBERT-BOLTSHAUSER SYNDROME. Identifiers: Orphanet 475, MedGen C5979921, MONDO:0018772.
Meckel-Gruber syndrome. Also called: DYSENCEPHALIA SPLANCHNOCYSTICA; GRUBER SYNDROME; Dysencephalia splachnocystica. Identifiers: Orphanet 564, MedGen C0265215, MONDO:0018921.
Nephronophthisis. Also called: Juvenile Nephronophthisis. Identifiers: Orphanet 655, MedGen C0687120, MONDO:0019005, HP:0000090.
Leber congenital amaurosis 10 (LCA10). Identifiers: Orphanet 65, MedGen C1857821, MONDO:0012723, OMIM 611755.
Senior-Loken syndrome 6 (SLSN6). Identifiers: Orphanet 3156, MedGen C1857779, MONDO:0012433, OMIM 610189.
Bardet-Biedl syndrome 14 (BBS14). Identifiers: Orphanet 110, MedGen C2673874, MONDO:0014442, OMIM 615991.
Meckel syndrome, type 4 (MKS4). Also called: MECKEL-GRUBER SYNDROME, TYPE 4. Identifiers: Orphanet 564, MedGen C1970161, MONDO:0012626, OMIM 611134.
Joubert syndrome 5 (JBTS5). Identifiers: Orphanet 2318, MedGen C1857780, MONDO:0012432, OMIM 610188.
Leber congenital amaurosis (LCA). Also called: Leber's amaurosis. Identifiers: Orphanet 65, MedGen C0339527, MeSH D057130, MONDO:0018998.

Allele frequency attached by ClinVar (database versions not stated): gnomAD exomes 0.00001; TOPMed 0.00002.
gnomAD v4.1: 7 of 1,508,100 alleles (0.00046%); highest among the groups gnomAD compares: Non-Finnish European, 0.00053%; no homozygotes.

Submissions (6):

Ambry Genetics
Classification: Uncertain significance for Inborn genetic diseases. Last evaluated: 2023-03-02. Review status: criteria provided, single submitter. Criteria: Ambry Variant Classification Scheme 2023. Collection method: clinical testing. Allele origin: germline.

Labcorp Genetics (formerly Invitae), Labcorp
Classification: Uncertain significance for Joubert syndrome; Meckel-Gruber syndrome; Nephronophthisis. Last evaluated: 2022-08-16. Review status: criteria provided, single submitter. Criteria: Invitae Variant Classification Sherloc (09022015). Collection method: clinical testing. Allele origin: germline.
Comment: This sequence change replaces serine, which is neutral and polar, with cysteine, which is neutral and slightly polar, at codon 773 of the CEP290 protein (p.Ser773Cys). This variant is not present in population databases (gnomAD no frequency). This variant has not been reported in the literature in individuals affected with CEP290-related conditions. ClinVar contains an entry for this variant (Variation ID: 1037784). Algorithms developed to predict the effect of missense changes on protein structure and function are either unavailable or do not agree on the potential impact of this missense change (SIFT: "Deleterious"; PolyPhen-2: "Probably Damaging"; Align-GVGD: "Class C0"). In summary, the available evidence is currently insufficient to determine the role of this variant in disease. Therefore, it has been classified as a Variant of Uncertain Significance.

Fulgent Genetics
Classification: Uncertain significance for Joubert syndrome 5; Senior-Loken syndrome 6; Meckel syndrome, type 4; Leber congenital amaurosis 10; Bardet-Biedl syndrome 14. Last evaluated: 2021-08-03. Review status: criteria provided, single submitter. Criteria: ACMG Guidelines, 2015. Collection method: clinical testing. Allele origin: unknown.

Blueprint Genetics
Classification: Uncertain significance. Last evaluated: 2020-12-09. Review status: criteria provided, single submitter. Criteria: ACMG Guidelines, 2015. Collection method: clinical testing. Allele origin: germline.

PreventionGenetics, part of Exact Sciences
Classification: Uncertain significance for CEP290-related condition. Last evaluated: 2024-06-09. Review status: no assertion criteria provided. Collection method: clinical testing. Allele origin: germline. Not counted in ClinVar's aggregate classification.
Comment: The CEP290 c.2317A>T variant is predicted to result in the amino acid substitution p.Ser773Cys. To our knowledge, this variant has not been reported in the literature or in a large population database, indicating this variant is rare. At this time, the clinical significance of this variant is uncertain due to the absence of conclusive functional and genetic evidence.

Natera, Inc.
Classification: Uncertain significance for Leber congenital amaurosis. Last evaluated: 2020-03-17. Review status: no assertion criteria provided. Collection method: clinical testing. Allele origin: germline. Not counted in ClinVar's aggregate classification.